The following is an entry in ClinVar:

NM_000548.5(TSC2):c.203C>G (p.Ala68Gly)

Gene: TSC2 (TSC complex subunit 2; plus strand). Cytogenetic location: 16p13.3.
Variant type: single nucleotide variant.
Coding change: c.203C>G on transcript NM_000548.5 (MANE Select); coding-DNA position 203, C replaced by G.
Protein change: p.Ala68Gly; replaces alanine 68 with glycine.
Molecular consequence: missense variant. On other transcripts: 5 prime UTR variant (1).
Genome position (GRCh38, 1-based): chr16:2,050,464, C>G. VCF-style: chr16-2050464-C-G. GRCh37 (hg19) VCF-style: chr16-2100465-C-G.
Other names: c.203C>G, p.Ala68Gly (NM_001077183.3, NM_001114382.3, NM_001318827.2 and 13 more transcripts); c.56C>G, p.Ala19Gly (NM_001318829.2, NM_001406675.1, NM_001406676.1 and 2 more transcripts); c.-24C>G (NM_001318831.2, NM_001406682.1, NM_001406684.1 and 3 more transcripts); c.236C>G, p.Ala79Gly (NM_001318832.2); c.-614C>G (NM_001406680.1, NM_001406683.1, NM_001406687.1); c.-243C>G (NM_001406681.1); c.-1229C>G (NM_001406689.1, NM_001406690.1, NM_001406691.1 and 2 more transcripts); c.-1535C>G (NM_001406693.1); and 3 more; short protein forms A19G, A68G, A79G.
Identifiers: ClinVar variation 1784866 (VCV001784866.6), dbSNP rs2548373159, ClinGen allele CA394303529.

ClinVar aggregate classification (germline): Uncertain significance. Review status: criteria provided, multiple submitters, no conflicts (2 of 4 stars). 3 submissions from 3 submitters: Uncertain significance (3). Last evaluated 2023-06-02.

Conditions:
Hereditary cancer-predisposing syndrome. Also called: Tumor predisposition; Neoplastic Syndromes, Hereditary; Hereditary Cancer Syndrome; Hereditary neoplastic syndrome. Identifiers: Orphanet 140162, MedGen C0027672, MeSH D009386, MONDO:0015356.
Isolated focal cortical dysplasia type II (FCORD2). Also called: CORTICAL DYSPLASIA OF TAYLOR; Focal cortical dysplasia type II. Identifiers: Orphanet 268994, MedGen C1846385, MONDO:0011818, OMIM 607341, HP:0032051.
Tuberous sclerosis 2 (TSC2). Identifiers: Orphanet 805, MedGen C1860707, MONDO:0013199, OMIM 613254.

Submissions (3):

Baylor Genetics
Classification: Uncertain significance for Isolated focal cortical dysplasia type II. Last evaluated: 2023-06-02. Review status: criteria provided, single submitter. Criteria: ACMG Guidelines, 2015. Collection method: clinical testing. Allele origin: unknown.

Labcorp Genetics (formerly Invitae), Labcorp
Classification: Uncertain significance for Tuberous sclerosis 2. Last evaluated: 2023-02-18. Review status: criteria provided, single submitter. Criteria: Invitae Variant Classification Sherloc (09022015). Collection method: clinical testing. Allele origin: germline.
Comment: This variant has not been reported in the literature in individuals affected with TSC2-related conditions. This variant is not present in population databases (gnomAD no frequency). This sequence change replaces alanine, which is neutral and non-polar, with glycine, which is neutral and non-polar, at codon 68 of the TSC2 protein (p.Ala68Gly). ClinVar contains an entry for this variant (Variation ID: 1784866). In summary, the available evidence is currently insufficient to determine the role of this variant in disease. Therefore, it has been classified as a Variant of Uncertain Significance. Advanced modeling of protein sequence and biophysical properties (such as structural, functional, and spatial information, amino acid conservation, physicochemical variation, residue mobility, and thermodynamic stability) performed at Invitae indicates that this missense variant is not expected to disrupt TSC2 protein function.

Ambry Genetics
Classification: Uncertain significance for Hereditary cancer-predisposing syndrome. Last evaluated: 2020-11-23. Review status: criteria provided, single submitter. Criteria: Ambry Variant Classification Scheme 2023. Collection method: clinical testing. Allele origin: germline.
Comment: The p.A68G variant (also known as c.203C>G), located in coding exon 2 of the TSC2 gene, results from a C to G substitution at nucleotide position 203. The alanine at codon 68 is replaced by glycine, an amino acid with similar properties. This amino acid position is highly conserved in available vertebrate species. In addition, the in silico prediction for this alteration is inconclusive. Since supporting evidence is limited at this time, the clinical significance of this alteration remains unclear.